The following is an entry in ClinVar:

NM_022835.3(PLEKHG2):c.636A>T (p.Ala212=)

Gene: PLEKHG2 (pleckstrin homology and RhoGEF domain containing G2; plus strand). Cytogenetic location: 19q13.2.
Variant type: single nucleotide variant.
Coding change: c.636A>T on transcript NM_022835.3 (MANE Select); coding-DNA position 636, A replaced by T.
Protein change: p.Ala212=; no amino-acid change (alanine 212 retained).
Molecular consequence: synonymous variant.
Genome position (GRCh38, 1-based): chr19:39,416,892, A>T. VCF-style: chr19-39416892-A-T. GRCh37 (hg19) VCF-style: chr19-39907532-A-T.
Other names: c.459A>T, p.Ala153= (NM_001351693.2); c.636A>T, p.Ala212= (NM_001351694.2).
Identifiers: ClinVar variation 726215 (VCV000726215.19), dbSNP rs374648694, ClinGen allele CA9429201.

ClinVar aggregate classification (germline): Likely benign. Review status: criteria provided, multiple submitters, no conflicts (2 of 4 stars). 3 submissions from 3 submitters: Likely benign (3). Last evaluated 2026-02-01.

Allele frequency attached by ClinVar (database versions not stated): gnomAD 0.00013; ESP Exome Variant Server 0.00016; gnomAD exomes 0.00016 and 0.00027; TOPMed 0.00021; ExAC 0.00029; 1000 Genomes Project 30x 0.00031; 1000 Genomes Project 0.00040.
gnomAD v4.1: 274 of 1,612,664 alleles (0.017%); highest among the groups gnomAD compares: Middle Eastern, 0.33%; 1 homozygote.

Submissions (3):

CeGaT Center for Human Genetics Tuebingen
Classification: Likely benign. Last evaluated: 2026-02-01. Review status: criteria provided, single submitter. Criteria: CeGaT Center For Human Genetics Tuebingen Variant Classification Criteria Version 2. Collection method: clinical testing. Allele origin: germline. Affected: yes. Observed: 1 variant allele.
Comment: PLEKHG2: BP4, BP7

Labcorp Genetics (formerly Invitae), Labcorp
Classification: Likely benign. Last evaluated: 2025-09-15. Review status: criteria provided, single submitter. Criteria: Invitae Variant Classification Sherloc (09022015). Collection method: clinical testing. Allele origin: germline.

Breakthrough Genomics
Classification: Likely benign. Review status: criteria provided, single submitter. Criteria: ACMG Guidelines, 2015. Collection method: not provided. Allele origin: germline. Inheritance: Autosomal recessive inheritance. Affected: yes.